The following is an entry in ClinVar:

ClinVar aggregate classification (germline): Uncertain significance. Review status: criteria provided, multiple submitters, no conflicts (2 of 4 stars). 2 submissions from 2 submitters: Uncertain significance (2). Last evaluated 2025-01-22.

Conditions:
Inborn genetic diseases. Identifiers: MedGen C0950123, MeSH D030342.

Submissions (2):

Ambry Genetics
Classification: Uncertain significance for Inborn genetic diseases. Last evaluated: 2025-01-22. Review status: criteria provided, single submitter. Criteria: Ambry Variant Classification Scheme 2023. Collection method: clinical testing. Allele origin: germline.

Labcorp Genetics (formerly Invitae), Labcorp
Classification: Uncertain significance. Last evaluated: 2024-02-23. Review status: criteria provided, single submitter. Criteria: Invitae Variant Classification Sherloc (09022015). Collection method: clinical testing. Allele origin: germline.
Comment: This sequence change replaces methionine, which is neutral and non-polar, with isoleucine, which is neutral and non-polar, at codon 322 of the PLK4 protein (p.Met322Ile). This variant is not present in population databases (gnomAD no frequency). This variant has not been reported in the literature in individuals affected with PLK4-related conditions. ClinVar contains an entry for this variant (Variation ID: 1362036). Algorithms developed to predict the effect of missense changes on protein structure and function output the following: SIFT: "Not Available"; PolyPhen-2: "Benign"; Align-GVGD: "Not Available". The isoleucine amino acid residue is found in multiple mammalian species, which suggests that this missense change does not adversely affect protein function. In summary, the available evidence is currently insufficient to determine the role of this variant in disease. Therefore, it has been classified as a Variant of Uncertain Significance.

NM_014264.5(PLK4):c.966G>A (p.Met322Ile)

Gene: PLK4 (polo like kinase 4; plus strand). Cytogenetic location: 4q28.1.
Variant type: single nucleotide variant.
Coding change: c.966G>A on transcript NM_014264.5 (MANE Select); coding-DNA position 966, G replaced by A.
Protein change: p.Met322Ile; replaces methionine 322 with isoleucine.
Molecular consequence: missense variant.
Genome position (GRCh38, 1-based): chr4:127,886,336, G>A. VCF-style: chr4-127886336-G-A. GRCh37 (hg19) VCF-style: chr4-128807491-G-A.
Other names: c.870G>A, p.Met290Ile (NM_001190799.2); c.843G>A, p.Met281Ile (NM_001190801.2); c.966G>A (NM_014264.4); short protein forms M322I, M281I, M290I.
Identifiers: ClinVar variation 1362036 (VCV001362036.9), dbSNP rs2148818054, ClinGen allele CA358151737.